The following is an entry in ClinVar:

NM_001292063.2(OTOG):c.5919G>A (p.Thr1973=)

Gene: OTOG (otogelin; plus strand). Cytogenetic location: 11p15.1.
Variant type: single nucleotide variant.
Coding change: c.5919G>A on transcript NM_001292063.2 (MANE Select); coding-DNA position 5919, G replaced by A.
Protein change: p.Thr1973=; no amino-acid change (threonine 1973 retained).
Molecular consequence: synonymous variant.
Genome position (GRCh38, 1-based): chr11:17,611,219, G>A. VCF-style: chr11-17611219-G-A. GRCh37 (hg19) VCF-style: chr11-17632766-G-A.
Other names: c.5955G>A, p.Thr1985= (NM_001277269.2).
Identifiers: ClinVar variation 756461 (VCV000756461.36), dbSNP rs570611759, ClinGen allele CA5905966.
Genomic context (GRCh38, chr11:17,611,219, plus strand): 5'-GGCAGGCACAGCTCTGCCAGTGCCCACATCCTATGCCCTGAGCCGTGTCTCAGCCAGGAC[G>A]GCCCCCCAAGACAGCATGCTGGTTCTGTTGCCTCAGCTGGCTGAGGCCCATGGAACCTCG-3'
Protein context (NP_001278992.1, residues 1963-1983): SYALSRVSAR[Thr1973=]APQDSMLVLL

ClinVar aggregate classification (germline): Benign/Likely benign. Review status: criteria provided, multiple submitters, no conflicts (2 of 4 stars). 5 submissions from 5 submitters: Benign (2); Likely benign (2). 1 of the submissions does not count toward it. Last evaluated 2025-11-13.

Conditions:
OTOG-related disorder. Also called: OTOG-related condition.

Allele frequency attached by ClinVar (database versions not stated): gnomAD 0.00014 and 0.00031; TOPMed 0.00025; gnomAD exomes 0.00066 and 0.00131; 1000 Genomes Project 0.00060; 1000 Genomes Project 30x 0.00062; ExAC 0.00396.
gnomAD v4.1: 972 of 1,550,496 alleles (0.063%); highest among the groups gnomAD compares: South Asian, 0.75%; 11 homozygotes.

Submissions (5):

Labcorp Genetics (formerly Invitae), Labcorp
Classification: Benign. Last evaluated: 2025-11-13. Review status: criteria provided, single submitter. Criteria: Invitae Variant Classification Sherloc (09022015). Collection method: clinical testing. Allele origin: germline.

Blueprint Genetics
Classification: Likely benign. Last evaluated: 2024-10-23. Review status: criteria provided, single submitter. Criteria: ACMG Guidelines, 2015. Collection method: clinical testing. Allele origin: germline.

CeGaT Center for Human Genetics Tuebingen
Classification: Likely benign. Last evaluated: 2023-04-01. Review status: criteria provided, single submitter. Criteria: CeGaT Center For Human Genetics Tuebingen Variant Classification Criteria Version 2. Collection method: clinical testing. Allele origin: germline. Affected: yes. Observed: 1 variant allele.
Comment: OTOG: BP4, BP7

GeneDx
Classification: Benign. Last evaluated: 2021-01-21. Review status: criteria provided, single submitter. Criteria: GeneDx Variant Classification Process June 2021. Collection method: clinical testing. Allele origin: germline. Affected: yes.

PreventionGenetics, part of Exact Sciences
Classification: Benign for OTOG-related condition. Last evaluated: 2019-06-15. Review status: no assertion criteria provided. Collection method: clinical testing. Allele origin: germline. Not counted in ClinVar's aggregate classification.
Comment: This variant is classified as benign based on ACMG/AMP sequence variant interpretation guidelines (Richards et al. 2015 PMID: 25741868, with internal and published modifications).